The following is an entry in ClinVar:

NM_201384.3(PLEC):c.6522C>T (p.Ala2174=)

Gene: PLEC (plectin; minus strand). Cytogenetic location: 8q24.3.
Variant type: single nucleotide variant.
Coding change: c.6522C>T on transcript NM_201384.3 (MANE Select); coding-DNA position 6522, C replaced by T.
Protein change: p.Ala2174=; no amino-acid change (alanine 2174 retained).
Molecular consequence: synonymous variant.
Genome position (GRCh38, 1-based): chr8:143,923,407, G>A on the plus strand (C>T on the coding strand, the complement: PLEC is on the minus strand). VCF-style: chr8-143923407-G-A. GRCh37 (hg19) VCF-style: chr8-144997575-G-A.
Other names: c.6603C>T, p.Ala2201= (NM_000445.5); c.6480C>T, p.Ala2160= (NM_201378.4); c.6456C>T, p.Ala2152= (NM_201379.3); c.6933C>T, p.Ala2311= (NM_201380.4); c.6426C>T, p.Ala2142= (NM_201381.3); c.6522C>T, p.Ala2174= (NM_201382.4); c.6534C>T, p.Ala2178= (NM_201383.3); c.6603C>T (NM_000445.4).
Identifiers: ClinVar variation 1158386 (VCV001158386.9), dbSNP rs369028979, ClinGen allele CA4925954.

ClinVar aggregate classification (germline): Likely benign. Review status: criteria provided, single submitter (1 of 4 stars). 2 submissions from 2 submitters: Likely benign (1). 1 of the submissions does not count toward it. Last evaluated 2025-05-05.

Conditions:
Epidermolysis bullosa simplex 5C, with pyloric atresia (EBS5C). Also called: PLEC-Related Epidermolysis Bullosa with Pyloric Atresia; Epidermolysis bullosa simplex with pyloric atresia; PLEC1-Related Epidermolysis Bullosa with Pyloric Atresia. Identifiers: Orphanet 158684, MedGen C2677349, MONDO:0012807, OMIM 612138.
Epidermolysis bullosa simplex, Ogna type (EBS5A). Also called: Pidermolysis bullosa simplex 5A, Ogna type; EPIDERMOLYSIS BULLOSA SIMPLEX 5A, OGNA TYPE. Identifiers: Orphanet 79401, MedGen C0432317, MONDO:0007555, OMIM 131950.
Epidermolysis bullosa simplex 5B, with muscular dystrophy (EBS5B). Also called: Epidermolysis bullosa simplex with muscular dystrophy; EPIDERMOLYSIS BULLOSA SIMPLEX AND LIMB-GIRDLE MUSCULAR DYSTROPHY. Identifiers: Orphanet 257, MedGen C2931072, MONDO:0009181, OMIM 226670.
Autosomal recessive limb-girdle muscular dystrophy type 2Q (LGMDR17). Also called: MUSCULAR DYSTROPHY, LIMB-GIRDLE, AUTOSOMAL RECESSIVE 17. Identifiers: Orphanet 254361, MedGen C3150989, MONDO:0013390, OMIM 613723.
Epidermolysis bullosa simplex with nail dystrophy (EBS5D). Identifiers: MedGen C4225309, MONDO:0014661, OMIM 616487.
PLEC-related disorder. Also called: PLEC-related condition; PLEC-related disorders.

Allele frequency attached by ClinVar (database versions not stated): ExAC 0.00002; gnomAD exomes 0.00002 and below 0.00001; gnomAD 0.00006 and 0.00007; TOPMed 0.00006; ESP Exome Variant Server 0.00016.
gnomAD v4.1: 45 of 1,610,544 alleles (0.0028%); highest among the groups gnomAD compares: African/African-American, 0.0067%; no homozygotes.

Submissions (2):

Labcorp Genetics (formerly Invitae), Labcorp
Classification: Likely benign for Autosomal recessive limb-girdle muscular dystrophy type 2Q; Epidermolysis bullosa simplex, Ogna type; Epidermolysis bullosa simplex with nail dystrophy; Epidermolysis bullosa simplex 5C, with pyloric atresia; Epidermolysis bullosa simplex 5B, with muscular dystrophy. Last evaluated: 2025-05-05. Review status: criteria provided, single submitter. Criteria: Invitae Variant Classification Sherloc (09022015). Collection method: clinical testing. Allele origin: germline.

PreventionGenetics, part of Exact Sciences
Classification: Likely benign for PLEC-related condition. Last evaluated: 2019-03-22. Review status: no assertion criteria provided. Collection method: clinical testing. Allele origin: germline. Not counted in ClinVar's aggregate classification.
Comment: This variant is classified as likely benign based on ACMG/AMP sequence variant interpretation guidelines (Richards et al. 2015 PMID: 25741868, with internal and published modifications).